The following is an entry in ClinVar:

ClinVar aggregate classification (germline): Uncertain significance. Review status: criteria provided, multiple submitters, no conflicts (2 of 4 stars). 6 submissions from 6 submitters: Uncertain significance (5). 1 of the submissions does not count toward it. Last evaluated 2025-03-09.

Conditions:
Breast-ovarian cancer, familial, susceptibility to, 2 (BROVCA2). Also called: BRCA2 Hereditary Breast and Ovarian Cancer. Identifiers: Orphanet 145, MedGen C2675520, MONDO:0012933, OMIM 612555. Disease mechanism: loss of function.
Hereditary cancer-predisposing syndrome. Also called: Tumor predisposition; Hereditary Cancer Syndrome; Neoplastic Syndromes, Hereditary; Hereditary neoplastic syndrome. Identifiers: Orphanet 140162, MedGen C0027672, MeSH D009386, MONDO:0015356.
Hereditary breast ovarian cancer syndrome. Also called: Breast and ovarian cancer; Hereditary breast and ovarian cancer; Hereditary breast and ovarian cancer syndrome; BRCA1- and BRCA2-Associated Hereditary Breast and Ovarian Cancer; Hereditary breast and ovarian cancer syndrome (HBOC); Hereditary breast and/or ovarian cancer syndrome. Identifiers: Orphanet 145, MedGen C0677776, MeSH D061325, MONDO:0003582. Disease mechanism: loss of function.

Allele frequency attached by ClinVar (database versions not stated): gnomAD exomes below 0.00001; ExAC 0.00001.
gnomAD v4.1: 3 of 1,608,974 alleles (0.00019%); highest among the groups gnomAD compares: Non-Finnish European, 0.00025%; no homozygotes.

Submissions (6):

Labcorp Genetics (formerly Invitae), Labcorp
Classification: Uncertain significance for Hereditary breast ovarian cancer syndrome. Last evaluated: 2025-03-09. Review status: criteria provided, single submitter. Criteria: Invitae Variant Classification Sherloc (09022015). Collection method: clinical testing. Allele origin: germline.
Comment: This sequence change replaces arginine, which is basic and polar, with serine, which is neutral and polar, at codon 2319 of the BRCA2 protein (p.Arg2319Ser). This variant is present in population databases (rs398122573, gnomAD 0.0009%). This variant has not been reported in the literature in individuals affected with BRCA2-related conditions. ClinVar contains an entry for this variant (Variation ID: 91466). Invitae Evidence Modeling of protein sequence and biophysical properties (such as structural, functional, and spatial information, amino acid conservation, physicochemical variation, residue mobility, and thermodynamic stability) indicates that this missense variant is not expected to disrupt BRCA2 protein function with a negative predictive value of 95%. In summary, the available evidence is currently insufficient to determine the role of this variant in disease. Therefore, it has been classified as a Variant of Uncertain Significance.

GeneDx
Classification: Uncertain significance. Last evaluated: 2024-01-29. Review status: criteria provided, single submitter. Criteria: GeneDx Variant Classification Process June 2021. Collection method: clinical testing. Allele origin: germline. Affected: yes.
Comment: Not observed at significant frequency in large population cohorts (gnomAD); In silico analysis supports that this missense variant does not alter protein structure/function; Has not been previously published as pathogenic or benign to our knowledge; Also known as 7185A>C

Ambry Genetics
Classification: Uncertain significance for Hereditary cancer-predisposing syndrome. Last evaluated: 2023-10-12. Review status: criteria provided, single submitter. Criteria: Ambry Variant Classification Scheme 2023. Collection method: clinical testing. Allele origin: germline.
Comment: The p.R2319S variant (also known as c.6957A>C), located in coding exon 12 of the BRCA2 gene, results from an A to C substitution at nucleotide position 6957. The arginine at codon 2319 is replaced by serine, an amino acid with dissimilar properties. This amino acid position is well conserved in available vertebrate species. In addition, the in silico prediction for this alteration is inconclusive. Since supporting evidence is limited at this time, the clinical significance of this alteration remains unclear.

Color Diagnostics, LLC DBA Color Health
Classification: Uncertain significance for Hereditary cancer-predisposing syndrome. Last evaluated: 2019-06-05. Review status: criteria provided, single submitter. Criteria: ACMG Guidelines, 2015. Collection method: clinical testing. Allele origin: germline.

PreventionGenetics, part of Exact Sciences
Classification: Uncertain significance. Last evaluated: 2017-11-10. Review status: criteria provided, single submitter. Criteria: ACMG Guidelines, 2015. Collection method: clinical testing. Allele origin: germline.

Sharing Clinical Reports Project (SCRP)
Classification: Uncertain significance for Breast-ovarian cancer, familial 2. Last evaluated: 2013-03-15. Review status: no assertion criteria provided. Collection method: clinical testing. Allele origin: germline. Not counted in ClinVar's aggregate classification.

NM_000059.4(BRCA2):c.6957A>C (p.Arg2319Ser)

Gene: BRCA2 (BRCA2 DNA repair associated; plus strand). Cytogenetic location: 13q13.1.
Variant type: single nucleotide variant.
Coding change: c.6957A>C on transcript NM_000059.4 (MANE Select); coding-DNA position 6957, A replaced by C.
Protein change: p.Arg2319Ser; replaces arginine 2319 with serine.
Molecular consequence: missense variant.
Genome position (GRCh38, 1-based): chr13:32,346,846, A>C. VCF-style: chr13-32346846-A-C. GRCh37 (hg19) VCF-style: chr13-32920983-A-C.
Other names: 7185A>C; short protein forms R2319S.
Identifiers: ClinVar variation 91466 (VCV000091466.16), dbSNP rs398122573, ClinGen allele CA024630.